The following is an entry in ClinVar:

NM_000038.6(APC):c.138A>C (p.Glu46Asp)

Gene: APC (APC regulator of Wnt signaling pathway; plus strand). Cytogenetic location: 5q22.2.
Variant type: single nucleotide variant.
Coding change: c.138A>C on transcript NM_000038.6 (MANE Select); coding-DNA position 138, A replaced by C.
Protein change: p.Glu46Asp; replaces glutamic acid 46 with aspartic acid.
Molecular consequence: missense variant. On other transcripts: 5 prime UTR variant (4).
Genome position (GRCh38, 1-based): chr5:112,766,328, A>C. VCF-style: chr5-112766328-A-C. GRCh37 (hg19) VCF-style: chr5-112102025-A-C.
Other names: c.138A>C, p.Glu46Asp (NM_001127510.3, NM_001354895.2, NM_001354896.2 and 2 more transcripts); c.168A>C, p.Glu56Asp (NM_001127511.3, NM_001354897.2, NM_001354902.2); c.63A>C, p.Glu21Asp (NM_001354898.2, NM_001354904.2); c.-40A>C (NM_001354900.2, NM_001354901.2, NM_001354905.2); c.-898A>C (NM_001354906.2); short protein forms E46D, E56D, E21D.
Identifiers: ClinVar variation 665118 (VCV000665118.11), dbSNP rs1429803547, ClinGen allele CA16021647.

ClinVar aggregate classification (germline): Uncertain significance. Review status: criteria provided, multiple submitters, no conflicts (2 of 4 stars). 2 submissions from 2 submitters: Uncertain significance (2). Last evaluated 2025-05-29.

Conditions:
Hereditary cancer-predisposing syndrome. Also called: Tumor predisposition; Hereditary neoplastic syndrome; Neoplastic Syndromes, Hereditary; Hereditary Cancer Syndrome. Identifiers: Orphanet 140162, MedGen C0027672, MeSH D009386, MONDO:0015356.
Familial adenomatous polyposis 1 (FAP1). Also called: POLYPOSIS, ADENOMATOUS INTESTINAL; FAMILIAL ADENOMATOUS POLYPOSIS 1, ATTENUATED. Identifiers: MedGen C2713442, MONDO:0021056, OMIM 175100. Disease mechanism: loss of function.

Submissions (2):

Ambry Genetics
Classification: Uncertain significance for Hereditary cancer-predisposing syndrome. Last evaluated: 2025-05-29. Review status: criteria provided, single submitter. Criteria: Ambry Variant Classification Scheme 2023. Collection method: clinical testing. Allele origin: germline.
Comment: The p.E46D variant (also known as c.138A>C), located in coding exon 2 of the APC gene, results from an A to C substitution at nucleotide position 138. The glutamic acid at codon 46 is replaced by aspartic acid, an amino acid with highly similar properties. This amino acid position is highly conserved in available vertebrate species. In addition, in silico predictors for this gene do not accurately predict pathogenicity. Missense alterations in APC are not a common cause of disease (Spier I et al. Genet Med. 2024 Feb;26(2):100992). Based on the available evidence, the clinical significance of this variant remains unclear.

Labcorp Genetics (formerly Invitae), Labcorp
Classification: Uncertain significance for Familial adenomatous polyposis 1. Last evaluated: 2023-08-04. Review status: criteria provided, single submitter. Criteria: Invitae Variant Classification Sherloc (09022015). Collection method: clinical testing. Allele origin: germline.
Comment: This sequence change replaces glutamic acid, which is acidic and polar, with aspartic acid, which is acidic and polar, at codon 46 of the APC protein (p.Glu46Asp). This variant is not present in population databases (gnomAD no frequency). This variant has not been reported in the literature in individuals affected with APC-related conditions. ClinVar contains an entry for this variant (Variation ID: 665118). An algorithm developed to predict the effect of missense changes on protein structure and function (PolyPhen-2) suggests that this variant is likely to be disruptive. In summary, the available evidence is currently insufficient to determine the role of this variant in disease. Therefore, it has been classified as a Variant of Uncertain Significance.